The following is an entry in ClinVar:

NM_201596.3(CACNB2):c.1518C>T (p.Arg506=)

Gene: CACNB2 (calcium voltage-gated channel auxiliary subunit beta 2; plus strand). Cytogenetic location: 10p12.31.
Variant type: single nucleotide variant.
Coding change: c.1518C>T on transcript NM_201596.3 (MANE Select); coding-DNA position 1518, C replaced by T.
Protein change: p.Arg506=; no amino-acid change (arginine 506 retained).
Molecular consequence: synonymous variant.
Genome position (GRCh38, 1-based): chr10:18,539,259, C>T. VCF-style: chr10-18539259-C-T. GRCh37 (hg19) VCF-style: chr10-18828188-C-T.
Other names: p.R451R:CGC>CGT; p.Arg452=; c.1353C>T, p.Arg451= (NM_000724.4); c.1320C>T, p.Arg440= (NM_001167945.2); c.1239C>T, p.Arg413= (NM_001330060.2); c.1374C>T, p.Arg458= (NM_201570.3); c.1434C>T, p.Arg478= (NM_201571.4); c.1362C>T, p.Arg454= (NM_201572.4); and 3 more.
Identifiers: ClinVar variation 136646 (VCV000136646.23), dbSNP rs34813638, ClinGen allele CA289938.

ClinVar aggregate classification (germline): Benign/Likely benign. Review status: criteria provided, multiple submitters, no conflicts (2 of 4 stars). 9 submissions from 9 submitters: Benign (5); Likely benign (2). 2 of the submissions do not count toward it. Last evaluated 2026-02-02.

Conditions:
CACNB2-related disorder. Also called: CACNB2-related condition.
Cardiovascular phenotype. Identifiers: MedGen CN230736.
Brugada syndrome 4 (BRGDA4). Identifiers: Orphanet 130, MedGen C2678477, MONDO:0012743, OMIM 611876.

Allele frequency attached by ClinVar (database versions not stated): gnomAD exomes 0.00092 and 0.00247; ExAC 0.00311; 1000 Genomes Project 30x 0.00953; gnomAD 0.01090 and 0.01001; ESP Exome Variant Server 0.01092; 1000 Genomes Project 0.00958; TOPMed 0.01019.
gnomAD v4.1: 2,898 of 1,613,990 alleles (0.18%); highest among the groups gnomAD compares: African/African-American, 3.5%; 47 homozygotes.

Submissions (9):

Labcorp Genetics (formerly Invitae), Labcorp
Classification: Benign for Brugada syndrome 4. Last evaluated: 2026-02-02. Review status: criteria provided, single submitter. Criteria: Invitae Variant Classification Sherloc (09022015). Collection method: clinical testing. Allele origin: germline.

Genome Diagnostics Laboratory, University Medical Center Utrecht
Classification: Likely benign for Brugada syndrome 4. Last evaluated: 2017-07-28. Review status: criteria provided, single submitter. Criteria: ACGS Guidelines, 2013. Collection method: clinical testing. Allele origin: germline. Affected: yes. Study: VKGL Data-share Consensus.

Mayo Clinic Laboratories, Mayo Clinic
Classification: Benign. Last evaluated: 2016-02-23. Review status: criteria provided, single submitter. Criteria: ACMG Guidelines, 2015. Collection method: clinical testing. Allele origin: germline. Observed: 5 variant alleles.

Women's Health and Genetics/Laboratory Corporation of America, LabCorp
Classification: Benign. Last evaluated: 2016-01-13. Review status: criteria provided, single submitter. Criteria: LabCorp Variant Classification Summary - May 2015. Collection method: clinical testing. Allele origin: germline.

Ambry Genetics
Classification: Benign for Cardiovascular phenotype. Last evaluated: 2015-07-15. Review status: criteria provided, single submitter. Criteria: Ambry Variant Classification Scheme 2023. Collection method: clinical testing. Allele origin: germline.

GeneDx
Classification: Benign. Last evaluated: 2013-01-08. Review status: criteria provided, single submitter. Criteria: GeneDx Variant Classification (06012015). Collection method: clinical testing. Allele origin: germline. Affected: yes.
Comment: This variant is considered likely benign or benign based on one or more of the following criteria: it is a conservative change, it occurs at a poorly conserved position in the protein, it is predicted to be benign by multiple in silico algorithms, and/or has population frequency not consistent with disease.

Breakthrough Genomics
Classification: Likely benign. Review status: criteria provided, single submitter. Criteria: ACMG Guidelines, 2015. Collection method: not provided. Allele origin: germline. Inheritance: Autosomal dominant inheritance. Affected: yes.

PreventionGenetics, part of Exact Sciences
Classification: Benign for CACNB2-related condition. Last evaluated: 2019-05-03. Review status: no assertion criteria provided. Collection method: clinical testing. Allele origin: germline. Not counted in ClinVar's aggregate classification.
Comment: This variant is classified as benign based on ACMG/AMP sequence variant interpretation guidelines (Richards et al. 2015 PMID: 25741868, with internal and published modifications).

Clinical Genetics, Academic Medical Center
Classification: Benign. Review status: no assertion criteria provided. Collection method: clinical testing. Allele origin: germline. Affected: yes. Study: VKGL Data-share Consensus. Not counted in ClinVar's aggregate classification.